The following is an entry in ClinVar:

NM_002029.4(FPR1):c.121G>A (p.Val41Ile)

Gene: FPR1 (formyl peptide receptor 1; minus strand). Cytogenetic location: 19q13.41.
Variant type: single nucleotide variant.
Coding change: c.121G>A on transcript NM_002029.4 (MANE Select); coding-DNA position 121, G replaced by A.
Protein change: p.Val41Ile; replaces valine 41 with isoleucine.
Molecular consequence: missense variant.
Genome position (GRCh38, 1-based): chr19:51,746,874, C>T on the plus strand (G>A on the coding strand, the complement: FPR1 is on the minus strand). VCF-style: chr19-51746874-C-T. GRCh37 (hg19) VCF-style: chr19-52250127-C-T.
Other names: c.121G>A, p.Val41Ile (NM_001193306.2); short protein forms V41I.
Identifiers: ClinVar variation 1025583 (VCV001025583.10), dbSNP rs2083751098, ClinGen allele CA407120825.

ClinVar aggregate classification (germline): Uncertain significance (1 of 4 stars; one submission).

Conditions:
Gingival disorder. Also called: Gingival disease. Identifiers: MedGen C0017563, MONDO:0002021.

Allele frequency attached by ClinVar (database versions not stated): TOPMed below 0.00001; gnomAD 0.00001.

Submission:

Labcorp Genetics (formerly Invitae), Labcorp
Classification: Uncertain significance for Gingival disorder. Last evaluated: 2020-09-07. Review status: criteria provided, single submitter. Criteria: Invitae Variant Classification Sherloc (09022015). Collection method: clinical testing. Allele origin: germline.
Comment: Algorithms developed to predict the effect of missense changes on protein structure and function output the following: SIFT: "Tolerated"; PolyPhen-2: "Benign"; Align-GVGD: "Class C0". The isoleucine amino acid residue is found in multiple mammalian species, suggesting that this missense change does not adversely affect protein function. These predictions have not been confirmed by published functional studies and their clinical significance is uncertain. In summary, the available evidence is currently insufficient to determine the role of this variant in disease. Therefore, it has been classified as a Variant of Uncertain Significance. This variant has not been reported in the literature in individuals with FPR1-related conditions. This variant is not present in population databases (ExAC no frequency). This sequence change replaces valine with isoleucine at codon 41 of the FPR1 protein (p.Val41Ile). The valine residue is moderately conserved and there is a small physicochemical difference between valine and isoleucine.